The following is an entry in ClinVar:

ClinVar aggregate classification (germline): Uncertain significance. Review status: criteria provided, multiple submitters, no conflicts (2 of 4 stars). 2 submissions from 2 submitters: Uncertain significance (2). Last evaluated 2024-01-02.

Submissions (2):

Women's Health and Genetics/Laboratory Corporation of America, LabCorp
Classification: Uncertain significance. Last evaluated: 2024-01-02. Review status: criteria provided, single submitter. Criteria: LabCorp Variant Classification Summary - May 2015. Collection method: clinical testing. Allele origin: germline.
Comment: Variant summary: MICAL1 c.2362-3C>T alters a non-conserved nucleotide located close to a canonical splice site and therefore could affect mRNA splicing, leading to a significantly altered protein sequence. Consensus agreement among computation tools predict no significant impact on normal splicing. However, these predictions have yet to be confirmed by functional studies. The variant was absent in 72626 control chromosomes. The available data on variant occurrences in the general population are insufficient to allow any conclusion about variant significance. To our knowledge, no occurrence of c.2362-3C>T in individuals affected with Epilepsy, Familial Temporal Lobe, 1 and no experimental evidence demonstrating its impact on protein function have been reported. No submitters have cited clinical-significance assessments for this variant to ClinVar after 2014. Based on the evidence outlined above, the variant was classified as uncertain significance.

Labcorp Genetics (formerly Invitae), Labcorp
Classification: Uncertain significance. Last evaluated: 2023-06-18. Review status: criteria provided, single submitter. Criteria: Invitae Variant Classification Sherloc (09022015). Collection method: clinical testing. Allele origin: germline.
Comment: In summary, the available evidence is currently insufficient to determine the role of this variant in disease. Therefore, it has been classified as a Variant of Uncertain Significance. Variants that disrupt the consensus splice site are a relatively common cause of aberrant splicing (PMID: 17576681, 9536098). Algorithms developed to predict the effect of sequence changes on RNA splicing suggest that this variant is not likely to affect RNA splicing. This variant has not been reported in the literature in individuals affected with MICAL1-related conditions. This variant is not present in population databases (gnomAD no frequency). This sequence change falls in intron 18 of the MICAL1 gene. It does not directly change the encoded amino acid sequence of the MICAL1 protein. It affects a nucleotide within the consensus splice site.

Literature cited by the submitters: PubMed 17576681 (cited by Labcorp Genetics (formerly Invitae), Labcorp); PubMed 9536098 (cited by Labcorp Genetics (formerly Invitae), Labcorp).

NM_022765.4(MICAL1):c.2305-3C>T

Gene: MICAL1 (microtubule associated monooxygenase, calponin and LIM domain containing 1; minus strand). Cytogenetic location: 6q21.
Variant type: single nucleotide variant.
Coding change: c.2305-3C>T on transcript NM_022765.4 (MANE Select); 3 bases into the intron before coding-DNA position 2305, C replaced by T.
Molecular consequence: intron variant.
Genome position (GRCh38, 1-based): chr6:109,446,415, G>A on the plus strand (C>T on the coding strand, the complement: MICAL1 is on the minus strand). VCF-style: chr6-109446415-G-A. GRCh37 (hg19) VCF-style: chr6-109767618-G-A.
Other names: c.2362-3C>T (NM_001286613.2); c.2047-3C>T (NM_001159291.2).
Identifiers: ClinVar variation 2878792 (VCV002878792.4), dbSNP rs2482775735, ClinGen allele CA2739265931.